The following is an entry in ClinVar:

NM_005733.3(KIF20A):c.2566C>T (p.Arg856Ter)

Gene: KIF20A (kinesin family member 20A; plus strand). Cytogenetic location: 5q31.2.
Variant type: single nucleotide variant.
Coding change: c.2566C>T on transcript NM_005733.3 (MANE Select); coding-DNA position 2566, C replaced by T.
Protein change: p.Arg856Ter; replaces arginine 856 with a stop codon.
Molecular consequence: nonsense.
Genome position (GRCh38, 1-based): chr5:138,187,306, C>T. VCF-style: chr5-138187306-C-T. GRCh37 (hg19) VCF-style: chr5-137522995-C-T.
Other names: short protein forms R856*.
Identifiers: ClinVar variation 1931709 (VCV001931709.5), dbSNP rs748338050, ClinGen allele CA3426938.

ClinVar aggregate classification (germline): Uncertain significance (1 of 4 stars; one submission).

Allele frequency attached by ClinVar (database versions not stated): ExAC 0.00001; gnomAD 0.00001; gnomAD exomes 0.00001; TOPMed 0.00001.
gnomAD v4.1: 14 of 1,614,018 alleles (0.00087%); highest among the groups gnomAD compares: Admixed American, 0.0017%; no homozygotes.

Submission:

Labcorp Genetics (formerly Invitae), Labcorp
Classification: Uncertain significance. Last evaluated: 2025-11-28. Review status: criteria provided, single submitter. Criteria: Invitae Variant Classification Sherloc (09022015). Collection method: clinical testing. Allele origin: germline.
Comment: This sequence change creates a premature translational stop signal (p.Arg856*) in the KIF20A gene. While this is not anticipated to result in nonsense mediated decay, it is expected to disrupt the last 35 amino acid(s) of the KIF20A protein. This variant is present in population databases (rs748338050, gnomAD 0.003%). This variant has not been reported in the literature in individuals affected with KIF20A-related conditions. ClinVar contains an entry for this variant (Variation ID: 1931709). In summary, the available evidence is currently insufficient to determine the role of this variant in disease. Therefore, it has been classified as a Variant of Uncertain Significance.